The following is an entry in ClinVar:

ClinVar aggregate classification (germline): Uncertain significance (1 of 4 stars; one submission).

Conditions:
Kleefstra syndrome 1 (KLEFS1). Identifiers: Orphanet 261494, MedGen C0795833, MONDO:0027407, OMIM 610253.

gnomAD v4.1: 1 of 1,614,176 alleles (0.000062%); highest among the groups gnomAD compares: Admixed American, 0.0017%; no homozygotes.

Submission:

Labcorp Genetics (formerly Invitae), Labcorp
Classification: Uncertain significance for Kleefstra syndrome 1. Last evaluated: 2025-08-03. Review status: criteria provided, single submitter. Criteria: Invitae Variant Classification Sherloc (09022015). Collection method: clinical testing. Allele origin: germline.
Comment: This sequence change replaces glutamine, which is neutral and polar, with arginine, which is basic and polar, at codon 1144 of the EHMT1 protein (p.Gln1144Arg). This variant is not present in population databases (gnomAD no frequency). This variant has not been reported in the literature in individuals affected with EHMT1-related conditions. Invitae Evidence Modeling of protein sequence and biophysical properties (such as structural, functional, and spatial information, amino acid conservation, physicochemical variation, residue mobility, and thermodynamic stability) indicates that this missense variant is not expected to disrupt EHMT1 protein function with a negative predictive value of 80%. In summary, the available evidence is currently insufficient to determine the role of this variant in disease. Therefore, it has been classified as a Variant of Uncertain Significance.

NM_024757.5(EHMT1):c.3431A>G (p.Gln1144Arg)

Gene: EHMT1 (euchromatic histone lysine methyltransferase 1; plus strand). Cytogenetic location: 9q34.3.
Variant type: single nucleotide variant.
Coding change: c.3431A>G on transcript NM_024757.5 (MANE Select); coding-DNA position 3431, A replaced by G.
Protein change: p.Gln1144Arg; replaces glutamine 1144 with arginine.
Molecular consequence: missense variant.
Genome position (GRCh38, 1-based): chr9:137,817,495, A>G. VCF-style: chr9-137817495-A-G. GRCh37 (hg19) VCF-style: chr9-140711947-A-G.
Other names: c.3410A>G, p.Gln1137Arg (NM_001354263.2); short protein forms Q1137R, Q1144R.
Identifiers: ClinVar variation 4695109 (VCV004695109.1).